The following is an entry in ClinVar:

ClinVar aggregate classification (germline): Likely pathogenic. Review status: criteria provided, multiple submitters, no conflicts (2 of 4 stars). 2 submissions from 2 submitters: Likely pathogenic (2). Last evaluated 2022-04-20.

Conditions:
Connective tissue disorder. Also called: Connective tissue disease. Identifiers: MedGen C0009782, MONDO:0003900.

Submissions (2):

Genome Diagnostics Laboratory, The Hospital for Sick Children
Classification: Likely pathogenic for Connective tissue disorder. Last evaluated: 2022-04-20. Review status: criteria provided, single submitter. Criteria: ACMG Guidelines, 2015. Collection method: clinical testing. Allele origin: germline.

GeneDx
Classification: Likely pathogenic. Last evaluated: 2021-12-07. Review status: criteria provided, single submitter. Criteria: GeneDx Variant Classification Process June 2021. Collection method: clinical testing. Allele origin: germline. Affected: yes.
Comment: Not observed at significant frequency in large population cohorts (Lek et al., 2016); In silico analysis supports that this missense variant has a deleterious effect on protein structure/function; Affects a cysteine residue within a calcium-binding EGF-like domain of the FBN1 gene, which may affect disulfide bonding and is predicted to alter the structure and function of the protein; cysteine substitutions in the calcium-binding EGF-like domains represent the majority of pathogenic missense changes associated with FBN1-related disorders (Collod-Beroud et al., 2003).; This variant is associated with the following publications: (PMID: 26787436, 12938084)

NM_000138.5(FBN1):c.5999G>T (p.Cys2000Phe)

Gene: FBN1 (fibrillin 1; minus strand). Cytogenetic location: 15q21.1.
Variant type: single nucleotide variant.
Coding change: c.5999G>T on transcript NM_000138.5 (MANE Select); coding-DNA position 5999, G replaced by T.
Protein change: p.Cys2000Phe; replaces cysteine 2000 with phenylalanine.
Molecular consequence: missense variant.
Genome position (GRCh38, 1-based): chr15:48,444,579, C>A on the plus strand (G>T on the coding strand, the complement: FBN1 is on the minus strand). VCF-style: chr15-48444579-C-A. GRCh37 (hg19) VCF-style: chr15-48736776-C-A.
Other names: short protein forms C2000F.
Identifiers: ClinVar variation 1188638 (VCV001188638.7), dbSNP rs1555395645, ClinGen allele CA392339676.